The following is an entry in ClinVar:

ClinVar aggregate classification (germline): Uncertain significance (1 of 4 stars; one submission).

Conditions:
Deficiency of ferroxidase (ACEP). Also called: NEURODEGENERATION WITH BRAIN IRON ACCUMULATION 10; Aceruloplasminemia; Ceruloplasmin deficiency; Familial apoceruloplasmin deficiency; Hereditary ceruloplasmin deficiency; Deficiency of ceruloplasmin. Identifiers: Orphanet 48818, MedGen C0878682, MONDO:0011426, OMIM 604290, HP:0025498.

gnomAD v4.1: 5 of 1,612,430 alleles (0.00031%); highest among the groups gnomAD compares: Non-Finnish European, 0.00042%; no homozygotes.

Submission:

Labcorp Genetics (formerly Invitae), Labcorp
Classification: Uncertain significance for Deficiency of ferroxidase. Last evaluated: 2025-03-25. Review status: criteria provided, single submitter. Criteria: Invitae Variant Classification Sherloc (09022015). Collection method: clinical testing. Allele origin: germline.
Comment: This sequence change replaces threonine, which is neutral and polar, with alanine, which is neutral and non-polar, at codon 583 of the CP protein (p.Thr583Ala). This variant is present in population databases (rs374104537, gnomAD 0.002%). This variant has not been reported in the literature in individuals affected with CP-related conditions. Invitae Evidence Modeling of protein sequence and biophysical properties (such as structural, functional, and spatial information, amino acid conservation, physicochemical variation, residue mobility, and thermodynamic stability) indicates that this missense variant is not expected to disrupt CP protein function with a negative predictive value of 80%. In summary, the available evidence is currently insufficient to determine the role of this variant in disease. Therefore, it has been classified as a Variant of Uncertain Significance.

NM_000096.4(CP):c.1747A>G (p.Thr583Ala)

Gene: CP (ceruloplasmin; minus strand). Cytogenetic location: 3q24.
Variant type: single nucleotide variant.
Coding change: c.1747A>G on transcript NM_000096.4 (MANE Select); coding-DNA position 1747, A replaced by G.
Protein change: p.Thr583Ala; replaces threonine 583 with alanine.
Molecular consequence: missense variant. On other transcripts: non-coding transcript variant (1).
Genome position (GRCh38, 1-based): chr3:149,188,169, T>C on the plus strand (A>G on the coding strand, the complement: CP is on the minus strand). VCF-style: chr3-149188169-T-C. GRCh37 (hg19) VCF-style: chr3-148905956-T-C.
Other names: short protein forms T583A.
Identifiers: ClinVar variation 4776158 (VCV004776158.1).